The following is an entry in ClinVar:

ClinVar aggregate classification (germline): Conflicting classifications of pathogenicity. Review status: criteria provided, conflicting classifications (1 of 4 stars). 3 submissions from 3 submitters: Pathogenic (1); Likely pathogenic (1); Uncertain significance (1). Last evaluated 2024-01-09.

Conditions:
UMOD-related disorder. Also called: UMOD-related condition.
Familial juvenile hyperuricemic nephropathy type 1 (ADTKD1). Also called: Glomerulocystic kidney disease with hyperuricemia and isosthenuria; Medullary cystic kidney disease 2; Autosomal Dominant Tubulointerstitial Kidney Disease – UMOD; UMOD-Associated Kidney Disease; Uromodulin-associated kidney disease. Identifiers: Orphanet 209886, Orphanet 34149, Orphanet 88950, MedGen C4551496, MONDO:0008073, OMIM 162000.

Allele frequency attached by ClinVar (database versions not stated): gnomAD exomes below 0.00001.
gnomAD v4.1: 2 of 1,572,962 alleles (0.00013%); highest among the groups gnomAD compares: Admixed American, 0.0018%; no homozygotes.

Submissions (3):

MVZ Medizinische Genetik Mainz
Classification: Pathogenic for Familial juvenile hyperuricemic nephropathy type 1. Last evaluated: 2024-01-09. Review status: criteria provided, single submitter. Criteria: UK Practice Guidelines For Variant Classification V4 01 2020. Collection method: clinical testing. Allele origin: germline. Inheritance: Autosomal dominant inheritance. Affected: yes. Observed: 1 variant allele.
Comment: ACMG Criteria: PP3_STR,PS4_MOD,PM5,PM2_SUP,PP4

Blueprint Genetics
Classification: Likely pathogenic for UMOD-related disorders. Last evaluated: 2023-03-24. Review status: criteria provided, single submitter. Criteria: ACMG Guidelines, 2015. Collection method: clinical testing. Allele origin: germline. Affected: yes. Observed: 1 variant allele.

Neuberg Centre For Genomic Medicine, NCGM
Classification: Uncertain significance for Familial juvenile hyperuricemic nephropathy type 1. Review status: criteria provided, single submitter. Criteria: ACMG Guidelines, 2015. Collection method: clinical testing. Allele origin: germline. Inheritance: Autosomal dominant inheritance. Affected: yes.
Comment: The c.359G>A (p.Cys120Tyr) missense variant in UMOD gene has not been reported previously as a pathogenic variant nor as a benign variant, to our knowledge. This variant is reported with the allele frequency (0.0005%) in the gnomAD and novel in 1000 genome database. The amino acid Cys at position 120 is changed to a Tyr changing protein sequence and it might alter its composition and physico-chemical properties. The amino acid change p.Cys120Tyr in UMOD is predicted as conserved by GERP++ and PhyloP across 100 vertebrates. For these reasons, this variant has been classified as Variant of Uncertain Significance (VUS).

NM_003361.4(UMOD):c.359G>A (p.Cys120Tyr)

Gene: UMOD (uromodulin; minus strand). Cytogenetic location: 16p12.3.
Variant type: single nucleotide variant.
Coding change: c.359G>A on transcript NM_003361.4 (MANE Select); coding-DNA position 359, G replaced by A.
Protein change: p.Cys120Tyr; replaces cysteine 120 with tyrosine.
Molecular consequence: missense variant. On other transcripts: non-coding transcript variant (1).
Genome position (GRCh38, 1-based): chr16:20,348,942, C>T on the plus strand (G>A on the coding strand, the complement: UMOD is on the minus strand). VCF-style: chr16-20348942-C-T. GRCh37 (hg19) VCF-style: chr16-20360264-C-T.
Other names: c.359G>A, p.Cys120Tyr (NM_001008389.3, NM_001378232.1, NM_001378233.1 and 3 more transcripts); c.458G>A, p.Cys153Tyr (NM_001278614.2); short protein forms C153Y, C120Y.
Identifiers: ClinVar variation 2584805 (VCV002584805.3), dbSNP rs1322587342, ClinGen allele CA394986269.
Genomic context (GRCh38, chr16:20,348,942, plus strand): 5'-CCCGCGGGGCATACGCACAAGTAGCTGCCCACCACATTGACACATGTGGCCAGGGCGTGG[C>T]AGTGGCTAAGCCCAGGCTCAGCGCACTCATCCACGTCTGTGCAGCCGAGACCGGGCGACA-3'
Protein context (NP_003352.2, residues 110-130): DECAEPGLSH[Cys120Tyr]HALATCVNVV